The following is an entry in ClinVar:

NM_001077365.2(POMT1):c.1729A>G (p.Ile577Val)

Gene: POMT1 (protein O-mannosyltransferase 1; plus strand). Cytogenetic location: 9q34.13.
Variant type: single nucleotide variant.
Coding change: c.1729A>G on transcript NM_001077365.2 (MANE Select); coding-DNA position 1729, A replaced by G.
Protein change: p.Ile577Val; replaces isoleucine 577 with valine.
Molecular consequence: missense variant. On other transcripts: non-coding transcript variant (10).
Genome position (GRCh38, 1-based): chr9:131,521,376, A>G. VCF-style: chr9-131521376-A-G. GRCh37 (hg19) VCF-style: chr9-134396763-A-G.
Other names: c.1567A>G, p.Ile523Val (NM_001077366.2, NM_001353194.2); c.1729A>G, p.Ile577Val (NM_001136113.2); c.1378A>G, p.Ile460Val (NM_001136114.2, NM_001353195.2, NM_001374691.1 and 2 more transcripts); c.1795A>G, p.Ile599Val (NM_001353193.2, NM_007171.4); c.1639A>G, p.Ile547Val (NM_001353196.2); c.1633A>G, p.Ile545Val (NM_001353197.2, NM_001353198.2); c.1444A>G, p.Ile482Val (NM_001353199.2); c.1273A>G, p.Ile425Val (NM_001353200.2); and 3 more; short protein forms I599V, I523V, I460V, I425V, I482V, I545V, I547V, I577V.
Identifiers: ClinVar variation 586369 (VCV000586369.8), dbSNP rs749978093, ClinGen allele CA5293807.

ClinVar aggregate classification (germline): Uncertain significance. Review status: criteria provided, multiple submitters, no conflicts (2 of 4 stars). 3 submissions from 3 submitters: Uncertain significance (3). Last evaluated 2025-10-06.

Conditions:
Muscular dystrophy-dystroglycanopathy (congenital with impaired intellectual development), type B, 1. Also called: Muscular dystrophy-dystroglycanopathy (congenital with intellectual disability), type B1; MUSCULAR DYSTROPHY, CONGENITAL, POMT1-RELATED. Identifiers: MedGen C5436962, MONDO:0013159, OMIM 613155.
Autosomal recessive limb-girdle muscular dystrophy type 2K. Also called: MUSCULAR DYSTROPHY-DYSTROGLYCANOPATHY (LIMB-GIRDLE), TYPE C, 1; MUSCULAR DYSTROPHY, LIMB-GIRDLE, TYPE 2K. Identifiers: Orphanet 86812, MedGen C1836373, MONDO:0012248, OMIM 609308.
Walker-Warburg congenital muscular dystrophy. Also called: Muscular dystrophy-dystroglycanopathy, type A; Walker-Warburg syndrome. Identifiers: Orphanet 899, MedGen C0265221, MONDO:0000171.
Inborn genetic diseases. Identifiers: MedGen C0950123, MeSH D030342.

Allele frequency attached by ClinVar (database versions not stated): gnomAD exomes 0.00001 and 0.00004; ExAC 0.00003; TOPMed 0.00005; gnomAD 0.00002.
gnomAD v4.1: 19 of 1,613,996 alleles (0.0012%); highest among the groups gnomAD compares: Admixed American, 0.027%; no homozygotes.

Submissions (3):

Ambry Genetics
Classification: Uncertain significance for Inborn genetic diseases. Last evaluated: 2025-10-06. Review status: criteria provided, single submitter. Criteria: Ambry Variant Classification Scheme 2023. Collection method: clinical testing. Allele origin: germline.

Labcorp Genetics (formerly Invitae), Labcorp
Classification: Uncertain significance for Muscular dystrophy-dystroglycanopathy (congenital with impaired intellectual development), type B, 1; Walker-Warburg congenital muscular dystrophy; Autosomal recessive limb-girdle muscular dystrophy type 2K. Last evaluated: 2022-08-16. Review status: criteria provided, single submitter. Criteria: Invitae Variant Classification Sherloc (09022015). Collection method: clinical testing. Allele origin: germline.
Comment: This sequence change replaces isoleucine, which is neutral and non-polar, with valine, which is neutral and non-polar, at codon 599 of the POMT1 protein (p.Ile599Val). This variant is present in population databases (rs749978093, gnomAD 0.03%). This variant has not been reported in the literature in individuals affected with POMT1-related conditions. ClinVar contains an entry for this variant (Variation ID: 586369). Algorithms developed to predict the effect of missense changes on protein structure and function (SIFT, PolyPhen-2, Align-GVGD) all suggest that this variant is likely to be tolerated. In summary, the available evidence is currently insufficient to determine the role of this variant in disease. Therefore, it has been classified as a Variant of Uncertain Significance.

Athena Diagnostics
Classification: Uncertain significance. Last evaluated: 2018-04-09. Review status: criteria provided, single submitter. Criteria: Athena Diagnostics Criteria. Collection method: clinical testing. Allele origin: germline.